The following is an entry in ClinVar:

ClinVar aggregate classification (germline): Uncertain significance (1 of 4 stars; one submission).

Conditions:
Hereditary cancer-predisposing syndrome. Also called: Tumor predisposition; Hereditary Cancer Syndrome; Neoplastic Syndromes, Hereditary; Hereditary neoplastic syndrome. Identifiers: Orphanet 140162, MedGen C0027672, MeSH D009386, MONDO:0015356.

Submission:

Ambry Genetics
Classification: Uncertain significance for Hereditary cancer-predisposing syndrome. Last evaluated: 2021-10-07. Review status: criteria provided, single submitter. Criteria: Ambry Variant Classification Scheme 2023. Collection method: clinical testing. Allele origin: germline.
Comment: The p.T34P variant (also known as c.100A>C), located in coding exon 1 of the FANCC gene, results from an A to C substitution at nucleotide position 100. The threonine at codon 34 is replaced by proline, an amino acid with highly similar properties. This amino acid position is conserved. In addition, the in silico prediction for this alteration is inconclusive. Since supporting evidence is limited at this time, the clinical significance of this alteration remains unclear.

NM_000136.3(FANCC):c.100A>C (p.Thr34Pro)

Gene: FANCC (FA complementation group C; minus strand). Cytogenetic location: 9q22.32.
Variant type: single nucleotide variant.
Coding change: c.100A>C on transcript NM_000136.3 (MANE Select); coding-DNA position 100, A replaced by C.
Protein change: p.Thr34Pro; replaces threonine 34 with proline.
Molecular consequence: missense variant.
Genome position (GRCh38, 1-based): chr9:95,249,192, T>G on the plus strand (A>C on the coding strand, the complement: FANCC is on the minus strand). VCF-style: chr9-95249192-T-G. GRCh37 (hg19) VCF-style: chr9-98011474-T-G.
Other names: c.100A>C, p.Thr34Pro (NM_001243743.2, NM_001243744.2); short protein forms T34P.
Identifiers: ClinVar variation 1795708 (VCV001795708.2), dbSNP rs2542861248, ClinGen allele CA374340332.